The following is an entry in ClinVar:

NM_001083614.2(EARS2):c.*15G>C

Genes: EARS2 (glutamyl-tRNA synthetase 2, mitochondrial; minus strand), GGA2 (golgi associated, gamma adaptin ear containing, ARF binding protein 2; minus strand). Cytogenetic location: 16p12.2.
Variant type: single nucleotide variant.
Coding change: c.*15G>C on transcript NM_001083614.2 (MANE Select); 15 bases downstream of the stop codon, G replaced by C.
Molecular consequence: 3 prime UTR variant. On other transcripts: non-coding transcript variant (1).
Genome position (GRCh38, 1-based): chr16:23,524,356, C>G on the plus strand (G>C on the coding strand, the complement: EARS2 is on the minus strand). VCF-style: chr16-23524356-C-G. GRCh37 (hg19) VCF-style: chr16-23535677-C-G.
Identifiers: ClinVar variation 318538 (VCV000318538.7), dbSNP rs200936622, ClinGen allele CA7962240.

ClinVar aggregate classification (germline): Likely benign. Review status: criteria provided, multiple submitters, no conflicts (2 of 4 stars). 3 submissions from 3 submitters: Likely benign (3). Last evaluated 2024-11-27.

Conditions:
Leukoencephalopathy-thalamus and brainstem anomalies-high lactate syndrome. Also called: LEUKOENCEPHALOPATHY WITH THALAMUS AND BRAINSTEM INVOLVEMENT AND HIGH LACTATE; Combined oxidative phosphorylation deficiency 12. Identifiers: Orphanet 314051, MedGen C4706421, MONDO:0013971, OMIM 614924.

Allele frequency attached by ClinVar (database versions not stated): ESP Exome Variant Server 0.00049; TOPMed 0.00057; 1000 Genomes Project 30x 0.00094; 1000 Genomes Project 0.00120.
gnomAD v4.1: 1,527 of 1,611,046 alleles (0.095%); highest among the groups gnomAD compares: Middle Eastern, 0.91%; 6 homozygotes.

Submissions (3):

Blueprint Genetics
Classification: Likely benign. Last evaluated: 2024-11-27. Review status: criteria provided, single submitter. Criteria: ACMG Guidelines, 2015. Collection method: clinical testing. Allele origin: germline.

Illumina Laboratory Services, Illumina
Classification: Likely benign for Leukoencephalopathy-thalamus and brainstem anomalies-high lactate syndrome. Last evaluated: 2018-01-12. Review status: criteria provided, single submitter. Criteria: ICSL Variant Classification Criteria 13 December 2019. Collection method: clinical testing. Allele origin: germline.
Comment: This variant was observed in the ICSL laboratory as part of a predisposition screen in an ostensibly healthy population. It had not been previously curated by ICSL or reported in the Human Gene Mutation Database (HGMD: prior to June 1st, 2018), and was therefore a candidate for classification through an automated scoring system. Utilizing variant allele frequency, disease prevalence and penetrance estimates, and inheritance mode, an automated score was calculated to assess if this variant is too frequent to cause the disease. Based on the score and internal cut-off values, a variant classified as likely benign is not then subjected to further curation. The score for this variant resulted in a classification of likely benign for this disease.

Breakthrough Genomics
Classification: Likely benign. Review status: criteria provided, single submitter. Criteria: ACMG Guidelines, 2015. Collection method: not provided. Allele origin: germline. Inheritance: Autosomal recessive inheritance. Affected: yes.